The following is an entry in ClinVar:

ClinVar aggregate classification (germline): Pathogenic/Likely pathogenic. Review status: criteria provided, multiple submitters, no conflicts (2 of 4 stars). 2 submissions from 2 submitters: Pathogenic (1); Likely pathogenic (1). Last evaluated 2024-02-27.

Conditions:
Developmental and epileptic encephalopathy, 11 (DEE11). Also called: Early infantile epileptic encephalopathy 11. Identifiers: Orphanet 1934, MedGen C3150987, MONDO:0013388, OMIM 613721.
Complex neurodevelopmental disorder. Identifiers: Orphanet 528084, MedGen C5568766, MONDO:0100038.
Hypermetabolism due to defect in mitochondria. Identifiers: MedGen C1855926, MONDO:0009391, OMIM 238800.

Submissions (2):

Service de Génétique Médicale, Centre Hospitalier Universitaire de Nice-Université Côte d'Azur
Classification: Likely pathogenic for Developmental and epileptic encephalopathy, 11. Last evaluated: 2024-02-27. Review status: criteria provided, single submitter. Criteria: ACMG Guidelines, 2015. Collection method: clinical testing. Allele origin: germline. Affected: yes.

AURAGEN, Plan France Médecine Génomique
Classification: Pathogenic for Hypermetabolism due to defect in mitochondria. Last evaluated: 2021-10-15. Review status: criteria provided, single submitter. Criteria: PFMG2025 (Lancet Reg Health Eur. 2025). Collection method: clinical testing. Allele origin: germline. Affected: yes.

Literature cited by the submitters: PubMed 38703036 (cited by Service de Génétique Médicale, Centre Hospitalier Universitaire de Nice-Université Côte d'Azur).

NM_001040142.2(SCN2A):c.5318C>A (p.Ala1773Glu)

Gene: SCN2A (sodium voltage-gated channel alpha subunit 2; plus strand). Cytogenetic location: 2q24.3.
Variant type: single nucleotide variant.
Coding change: c.5318C>A on transcript NM_001040142.2 (MANE Select); coding-DNA position 5318, C replaced by A.
Protein change: p.Ala1773Glu; replaces alanine 1773 with glutamic acid.
Molecular consequence: missense variant.
Genome position (GRCh38, 1-based): chr2:165,389,124, C>A. VCF-style: chr2-165389124-C-A. GRCh37 (hg19) VCF-style: chr2-166245634-C-A.
Other names: c.5318C>A, p.Ala1773Glu (NM_001040143.2, NM_001371246.1, NM_001371247.1 and 1 more transcripts); short protein forms A1773E.
Identifiers: ClinVar variation 984900 (VCV000984900.4), dbSNP rs1553463602, ClinGen allele CA349038700.